The following is an entry in ClinVar:

ClinVar aggregate classification (germline): Likely benign (1 of 4 stars; one submission).

Conditions:
PAK2-related disorder. Also called: PAK2-related condition.

gnomAD v4.1: 68 of 1,561,208 alleles (0.0044%); highest among the groups gnomAD compares: Middle Eastern, 0.05%; no homozygotes.

Submission:

PreventionGenetics, part of Exact Sciences
Classification: Likely benign for PAK2-related condition. Last evaluated: 2026-08-20. Review status: criteria provided, single submitter. Criteria: ACMG Guidelines, 2015. Collection method: clinical testing. Allele origin: germline.
Comment: This variant is classified as likely benign based on ACMG/AMP sequence variant interpretation guidelines (Richards et al. 2015 PMID: 25741868, with internal and published modifications).

NM_002577.4(PAK2):c.717C>T (p.Ile239=)

Gene: PAK2 (p21 (RAC1) activated kinase 2; plus strand). Cytogenetic location: 3q29.
Variant type: single nucleotide variant.
Coding change: c.717C>T on transcript NM_002577.4 (MANE Select); coding-DNA position 717, C replaced by T.
Protein change: p.Ile239=; no amino-acid change (isoleucine 239 retained).
Molecular consequence: synonymous variant.
Genome position (GRCh38, 1-based): chr3:196,810,597, C>T. VCF-style: chr3-196810597-C-T. GRCh37 (hg19) VCF-style: chr3-196537468-C-T.
Identifiers: ClinVar variation 4977572 (VCV004977572.1).